The following is an entry in ClinVar:

ClinVar aggregate classification (germline): Likely pathogenic (1 of 4 stars; one submission).

Conditions:
Hereditary factor X deficiency disease. Also called: STUART-PROWER FACTOR DEFICIENCY; Congenital factor X deficiency. Identifiers: Orphanet 328, MedGen C0272327, MONDO:0009212, OMIM 227600.

Allele frequency attached by ClinVar (database versions not stated): gnomAD exomes below 0.00001; ExAC 0.00001.

Submission:

ISTH-SSC Genomics in Thrombosis and Hemostasis, KU Leuven, Center for Molecular and Vascular Biology
Classification: Likely pathogenic for Hereditary factor X deficiency disease. Review status: criteria provided, single submitter. Criteria: ACMG Guidelines, 2015. Collection method: clinical testing. Allele origin: germline. Affected: yes. Observed: 1 compound heterozygote.
Comment: Submitted to the GoldVariant database by Kathleen Freson, Center for Molecular and Vascular Biology

NM_000504.4(F10):c.212T>C (p.Phe71Ser)

Genes: F10 (coagulation factor X; plus strand), F10-AS1 (F10 antisense RNA 1; minus strand). Cytogenetic location: 13q34.
Variant type: single nucleotide variant.
Coding change: c.212T>C on transcript NM_000504.4 (MANE Select); coding-DNA position 212, T replaced by C.
Protein change: p.Phe71Ser; replaces phenylalanine 71 with serine.
Molecular consequence: missense variant.
Genome position (GRCh38, 1-based): chr13:113,129,593, T>C. VCF-style: chr13-113129593-T-C. GRCh37 (hg19) VCF-style: chr13-113783907-T-C.
Other names: c.212T>C, p.Phe71Ser (NM_001312674.2, NM_001312675.2); short protein forms F71S.
Identifiers: ClinVar variation 2572143 (VCV002572143.1), dbSNP rs773214680, ClinGen allele CA7060379.